The following is an entry in ClinVar:

NM_012144.4(DNAI1):c.682-1G>A

Gene: DNAI1 (dynein axonemal intermediate chain 1; plus strand). Cytogenetic location: 9p13.3.
Variant type: single nucleotide variant.
Coding change: c.682-1G>A on transcript NM_012144.4 (MANE Select); the canonical splice acceptor site of the intron before coding-DNA position 682, G replaced by A.
Molecular consequence: splice acceptor variant.
Genome position (GRCh38, 1-based): chr9:34,493,193, G>A. VCF-style: chr9-34493193-G-A. GRCh37 (hg19) VCF-style: chr9-34493191-G-A.
Other names: c.694-1G>A (NM_001281428.2).
Identifiers: ClinVar variation 1492012 (VCV001492012.8), dbSNP rs2132065273, ClinGen allele CA373248894.

ClinVar aggregate classification (germline): Likely pathogenic (1 of 4 stars; one submission).

Conditions:
Primary ciliary dyskinesia. Also called: Ciliary dyskinesia. Identifiers: Orphanet 244, MedGen C0008780, MONDO:0016575, HP:0012265.

Submission:

Labcorp Genetics (formerly Invitae), Labcorp
Classification: Likely pathogenic for Primary ciliary dyskinesia. Last evaluated: 2021-06-06. Review status: criteria provided, single submitter. Criteria: Invitae Variant Classification Sherloc (09022015). Collection method: clinical testing. Allele origin: germline.
Comment: This variant has not been reported in the literature in individuals with DNAI1-related conditions. This sequence change affects an acceptor splice site in intron 8 of the DNAI1 gene. It is expected to disrupt RNA splicing. Variants that disrupt the donor or acceptor splice site typically lead to a loss of protein function (PMID: 16199547), and loss-of-function variants in DNAI1 are known to be pathogenic (PMID: 16858015, 29363216). This variant is not present in population databases (ExAC no frequency). Algorithms developed to predict the effect of sequence changes on RNA splicing suggest that this variant may disrupt the consensus splice site, but this prediction has not been confirmed by published transcriptional studies. In summary, the currently available evidence indicates that the variant is pathogenic, but additional data are needed to prove that conclusively. Therefore, this variant has been classified as Likely Pathogenic.

Literature cited by the submitters: PubMed 16199547; PubMed 16858015; PubMed 29363216.